The following is an entry in ClinVar:

NM_001252102.2(KIF21B):c.1205A>G (p.Tyr402Cys)

Gene: KIF21B (kinesin family member 21B; minus strand). Cytogenetic location: 1q32.1.
Variant type: single nucleotide variant.
Coding change: c.1205A>G on transcript NM_001252102.2 (MANE Select); coding-DNA position 1205, A replaced by G.
Protein change: p.Tyr402Cys; replaces tyrosine 402 with cysteine.
Molecular consequence: missense variant.
Genome position (GRCh38, 1-based): chr1:201,003,593, T>C on the plus strand (A>G on the coding strand, the complement: KIF21B is on the minus strand). VCF-style: chr1-201003593-T-C. GRCh37 (hg19) VCF-style: chr1-200972721-T-C.
Other names: c.1205A>G, p.Tyr402Cys (NM_001252100.2, NM_001252103.2, NM_017596.4); short protein forms Y402C.
Identifiers: ClinVar variation 3777588 (VCV003777588.1).
Genomic context (GRCh38, chr1:201,003,593, plus strand): 5'-ATGGAGCACTAGCTCCAAGGGGAGTGCTGGGCAATGCCCAGGAGCATGCTCACCGCCTTA[T>C]ACTCCATCAGCTCCATCTGCAGCCGAGCAATCTCAGCCCGCAGTGCACTGATTTGCTGGC-3'
Protein context (NP_001239031.1, residues 392-412): IARLQMELME[Tyr402Cys]KAGKRVIGED

ClinVar aggregate classification (germline): Uncertain significance (1 of 4 stars; one submission).

Submission:

GeneDx
Classification: Uncertain significance. Last evaluated: 2024-10-14. Review status: criteria provided, single submitter. Criteria: GeneDx Variant Classification Process June 2021. Collection method: clinical testing. Allele origin: germline. Affected: yes.
Comment: Not observed at significant frequency in large population cohorts (gnomAD); In silico analysis supports that this missense variant has a deleterious effect on protein structure/function; Has not been previously published as pathogenic or benign to our knowledge; In silico analysis suggests this variant may impact gene splicing. In the absence of RNA/functional studies, the actual effect of this sequence change is unknown.